The following is an entry in ClinVar:

ClinVar aggregate classification (germline): Uncertain significance (1 of 4 stars; one submission).

Conditions:
Schuurs-Hoeijmakers syndrome. Also called: PACS1-Related Neurodevelopmental Disorder. Identifiers: Orphanet 329224, MedGen C3554343, MONDO:0014006, OMIM 615009.

Allele frequency attached by ClinVar (database versions not stated): gnomAD 0.00003; ExAC 0.00002; ESP Exome Variant Server 0.00015; TOPMed 0.00002.
gnomAD v4.1: 5 of 1,613,250 alleles (0.00031%); highest among the groups gnomAD compares: Non-Finnish European, 0.00042%; no homozygotes.

Submission:

Labcorp Genetics (formerly Invitae), Labcorp
Classification: Uncertain significance for Schuurs-Hoeijmakers syndrome. Last evaluated: 2025-01-27. Review status: criteria provided, single submitter. Criteria: Invitae Variant Classification Sherloc (09022015). Collection method: clinical testing. Allele origin: germline.
Comment: This sequence change replaces glutamic acid, which is acidic and polar, with lysine, which is basic and polar, at codon 697 of the PACS1 protein (p.Glu697Lys). This variant is present in population databases (rs201575137, gnomAD 0.003%). This variant has not been reported in the literature in individuals affected with PACS1-related conditions. ClinVar contains an entry for this variant (Variation ID: 2731892). Invitae Evidence Modeling of protein sequence and biophysical properties (such as structural, functional, and spatial information, amino acid conservation, physicochemical variation, residue mobility, and thermodynamic stability) indicates that this missense variant is expected to disrupt PACS1 protein function with a positive predictive value of 80%. In summary, the available evidence is currently insufficient to determine the role of this variant in disease. Therefore, it has been classified as a Variant of Uncertain Significance.

NM_018026.4(PACS1):c.2089G>A (p.Glu697Lys)

Gene: PACS1 (phosphofurin acidic cluster sorting protein 1; plus strand). Cytogenetic location: 11q13.2.
Variant type: single nucleotide variant.
Coding change: c.2089G>A on transcript NM_018026.4 (MANE Select); coding-DNA position 2089, G replaced by A.
Protein change: p.Glu697Lys; replaces glutamic acid 697 with lysine.
Molecular consequence: missense variant.
Genome position (GRCh38, 1-based): chr11:66,234,227, G>A. VCF-style: chr11-66234227-G-A. GRCh37 (hg19) VCF-style: chr11-66001698-G-A.
Other names: short protein forms E697K.
Identifiers: ClinVar variation 2731892 (VCV002731892.3), dbSNP rs201575137, ClinGen allele CA6116761.